The following is an entry in ClinVar:

NM_001005361.3(DNM2):c.236-8C>G

Gene: DNM2 (dynamin 2; plus strand). Cytogenetic location: 19p13.2.
Variant type: single nucleotide variant.
Coding change: c.236-8C>G on transcript NM_001005361.3 (MANE Select); 8 bases into the intron before coding-DNA position 236, C replaced by G.
Molecular consequence: intron variant.
Genome position (GRCh38, 1-based): chr19:10,772,471, C>G. VCF-style: chr19-10772471-C-G. GRCh37 (hg19) VCF-style: chr19-10883147-C-G.
Other names: c.236-8C>G (NM_001005360.3, NM_001190716.2, NM_004945.4 and 1 more transcripts).
Identifiers: ClinVar variation 256867 (VCV000256867.57), dbSNP rs143084059, ClinGen allele CA9200746.

ClinVar aggregate classification (germline): Benign/Likely benign. Review status: criteria provided, multiple submitters, no conflicts (2 of 4 stars). 10 submissions from 9 submitters: Benign (6); Likely benign (3). 1 of the submissions does not count toward it. Last evaluated 2026-04-01.

Conditions:
DNM2-related disorder. Also called: DNM2-related condition.
Charcot-Marie-Tooth disease dominant intermediate B (CMTDIB). Also called: CHARCOT-MARIE-TOOTH NEUROPATHY, DOMINANT INTERMEDIATE B; Charcot-Marie-Tooth disease dominant intermediate 1; CMT DI1; Charcot-Marie-Tooth disease dominant intermediate I. Identifiers: Orphanet 100044, Orphanet 228179, MedGen C1847902, MONDO:0011674, OMIM 606482.
Autosomal dominant centronuclear myopathy. Also called: Myopathy, centronuclear, 3; MYOTUBULAR MYOPATHY, AUTOSOMAL DOMINANT. Identifiers: Orphanet 169189, MedGen C4551952, MeSH D020914, MONDO:0008048, OMIM 160150.

Allele frequency attached by ClinVar (database versions not stated): 1000 Genomes Project 0.00160; 1000 Genomes Project 30x 0.00172; ESP Exome Variant Server 0.00277; gnomAD 0.00326 and 0.00361; TOPMed 0.00373; gnomAD exomes 0.00030 and 0.00077; ExAC 0.00085.
gnomAD v4.1: 941 of 1,614,016 alleles (0.058%); highest among the groups gnomAD compares: African/African-American, 1.1%; 4 homozygotes.

Submissions (11):

CeGaT Center for Human Genetics Tuebingen
Classification: Likely benign. Last evaluated: 2026-04-01. Review status: criteria provided, single submitter. Criteria: CeGaT Center For Human Genetics Tuebingen Variant Classification Criteria Version 2. Collection method: clinical testing. Allele origin: germline. Affected: yes. Observed: 3 variant alleles.
Comment: DNM2: BP4, BS1

Labcorp Genetics (formerly Invitae), Labcorp
Classification: Benign for Charcot-Marie-Tooth disease dominant intermediate B. Last evaluated: 2026-01-12. Review status: criteria provided, single submitter. Criteria: Invitae Variant Classification Sherloc (09022015). Collection method: clinical testing. Allele origin: germline.

Blueprint Genetics
Classification: Likely benign. Last evaluated: 2024-10-22. Review status: criteria provided, single submitter. Criteria: ACMG Guidelines, 2015. Collection method: clinical testing. Allele origin: germline.

ARUP Laboratories, Molecular Genetics and Genomics, ARUP Laboratories
Classification: Benign. Last evaluated: 2020-01-09. Review status: criteria provided, single submitter. Criteria: ARUP Molecular Germline Variant Investigation Process. Collection method: clinical testing. Allele origin: germline.

Illumina Laboratory Services, Illumina
Classification: Benign for Charcot-Marie-Tooth disease dominant intermediate B. Last evaluated: 2018-01-12. Review status: criteria provided, single submitter. Criteria: ICSL Variant Classification Criteria 13 December 2019. Collection method: clinical testing. Allele origin: germline.
Comment: This variant was observed in the ICSL laboratory as part of a predisposition screen in an ostensibly healthy population. It had not been previously curated by ICSL or reported in the Human Gene Mutation Database (HGMD: prior to June 1st, 2018), and was therefore a candidate for classification through an automated scoring system. Utilizing variant allele frequency, disease prevalence and penetrance estimates, and inheritance mode, an automated score was calculated to assess if this variant is too frequent to cause the disease. Based on the score and internal cut-off values, a variant classified as benign is not then subjected to further curation. The score for this variant resulted in a classification of benign for this disease.

Illumina Laboratory Services, Illumina
Classification: Benign for Autosomal dominant centronuclear myopathy. Last evaluated: 2018-01-12. Review status: criteria provided, single submitter. Criteria: ICSL Variant Classification Criteria 13 December 2019. Collection method: clinical testing. Allele origin: germline.
Comment: the same text as in the submission from Illumina Laboratory Services, Illumina above.

Center for Pediatric Genomic Medicine, Children's Mercy Hospital and Clinics
Classification: Likely benign. Last evaluated: 2017-01-02. Review status: criteria provided, single submitter. Criteria: ACMG Guidelines, 2015. Collection method: clinical testing. Allele origin: germline.
ClinVar note: Converted during submission from Likely Benign to Likely benign.

Athena Diagnostics
Classification: Benign. Last evaluated: 2016-10-31. Review status: criteria provided, single submitter. Criteria: Athena Diagnostics Criteria. Collection method: clinical testing. Allele origin: germline.

GeneDx
Classification: Benign. Last evaluated: 2015-04-16. Review status: criteria provided, single submitter. Criteria: GeneDx Variant Classification (06012015). Collection method: clinical testing. Allele origin: germline. Affected: yes.
Comment: This variant is considered likely benign or benign based on one or more of the following criteria: it is a conservative change, it occurs at a poorly conserved position in the protein, it is predicted to be benign by multiple in silico algorithms, and/or has population frequency not consistent with disease.

PreventionGenetics, part of Exact Sciences
Classification: Benign for DNM2-related condition. Last evaluated: 2020-08-25. Review status: no assertion criteria provided. Collection method: clinical testing. Allele origin: germline. Not counted in ClinVar's aggregate classification.
Comment: This variant is classified as benign based on ACMG/AMP sequence variant interpretation guidelines (Richards et al. 2015 PMID: 25741868, with internal and published modifications).

Dr. Peter K. Rogan Lab, Western University
No classification provided (evidence only). Condition: Sarcoma. Review status: no classification provided. Collection method: in vitro. Allele origin: not applicable. Functional consequence: retained intron. Not counted in ClinVar's aggregate classification.